The following is an entry in ClinVar:

ClinVar aggregate classification (germline): Pathogenic/Likely pathogenic. Review status: criteria provided, multiple submitters, no conflicts (2 of 4 stars). 2 submissions from 2 submitters: Pathogenic (1); Likely pathogenic (1). Last evaluated 2024-07-11.

Conditions:
Polyglandular autoimmune syndrome, type 1 (APS1). Also called: Whitaker syndrome; HYPOADRENOCORTICISM WITH HYPOPARATHYROIDISM AND SUPERFICIAL MONILIASIS; Autoimmune polyendocrine syndrome type 1; Autoimmune polyendocrinopathy syndrome, type I; AUTOIMMUNE POLYENDOCRINE SYNDROME, TYPE I, WITH OR WITHOUT REVERSIBLE METAPHYSEAL DYSPLASIA; APS I. Identifiers: Orphanet 3453, MedGen C0085859, MONDO:0009411, OMIM 240300.

Submissions (2):

Natera, Inc.
Classification: Likely pathogenic for Polyglandular autoimmune syndrome type 1. Last evaluated: 2024-07-11. Review status: criteria provided, single submitter. Criteria: Natera Variant Classification Schema (03/2026). Collection method: clinical testing. Allele origin: germline.
Comment: The c.1235del variant in AIRE is a frameshift variant predicted to shift the reading frame beginning at codon 412 and leads to a stop codon 68 codons downstream. This variant is expected to result in nonsense mediated decay, truncation, or a dysfunctional protein product. This variant is rare in the general population with a frequency below the threshold expected for the associated phenotype(s). Given the available evidence, this variant is classified as Likely Pathogenic.

National Institute of Allergy and Infectious Diseases - Centralized Sequencing Program, National Institutes of Health
Classification: Pathogenic for APECED. Last evaluated: 2023-09-14. Review status: criteria provided, single submitter. Criteria: ACMG Guidelines, 2015. Collection method: clinical testing. Allele origin: germline. Affected: yes.

NM_000383.4(AIRE):c.1235del (p.Ser412fs)

Gene: AIRE (autoimmune regulator; plus strand). Cytogenetic location: 21q22.3.
Variant type: Deletion.
Coding change: c.1235del on transcript NM_000383.4 (MANE Select); coding-DNA position 1235, one base deleted (C; older notation c.1235delC).
Protein change: p.Ser412fs; shifts the reading frame from serine 412.
Molecular consequence: frameshift variant.
Genome position (GRCh38, 1-based): chr21:44,293,132, C deleted. VCF-style (leftmost placement, unchanged base first): chr21-44293131-TC-T. GRCh37 (hg19) VCF-style: chr21-45713014-TC-T.
Other names: c.1235del (NM_000383.3); short protein forms S412fs.
Identifiers: ClinVar variation 2580369 (VCV002580369.3), dbSNP rs2517884813, ClinGen allele CA2580618166.